The following is an entry in ClinVar:

NM_020975.6(RET):c.2267C>G (p.Ala756Gly)

Gene: RET (ret proto-oncogene; plus strand). Cytogenetic location: 10q11.21.
Variant type: single nucleotide variant.
Coding change: c.2267C>G on transcript NM_020975.6 (MANE Select); coding-DNA position 2267, C replaced by G.
Protein change: p.Ala756Gly; replaces alanine 756 with glycine.
Molecular consequence: missense variant.
Genome position (GRCh38, 1-based): chr10:43,116,714, C>G. VCF-style: chr10-43116714-C-G. GRCh37 (hg19) VCF-style: chr10-43612162-C-G.
Other names: c.2267C>G, p.Ala756Gly (NM_000323.2, NM_001406743.1, NM_001406744.1 and 4 more transcripts); c.1505C>G, p.Ala502Gly (NM_001355216.2); c.2138C>G, p.Ala713Gly (NM_001406761.1, NM_001406762.1, NM_001406764.1); c.2132C>G, p.Ala711Gly (NM_001406763.1, NM_001406765.1); c.1979C>G, p.Ala660Gly (NM_001406766.1, NM_001406767.1, NM_001406770.1); c.2003C>G, p.Ala668Gly (NM_001406768.1); c.1871C>G, p.Ala624Gly (NM_001406769.1, NM_001406772.1); c.1829C>G, p.Ala610Gly (NM_001406771.1, NM_001406773.1); and 10 more; short protein forms A502G, A756G, A321G, A417G, A457G, A581G, A624G, A660G.
Identifiers: ClinVar variation 1026784 (VCV001026784.12), dbSNP rs1838079858, ClinGen allele CA376554849.
Genomic context (GRCh38, chr10:43,116,714, plus strand): 5'-GAAAAGTGGTCAAGGCAACGGCCTTCCATCTGAAAGGCAGAGCAGGGTACACCACGGTGG[C>G]CGTGAAGATGCTGAAAGGTACCTGCCAGGCACAGGCACAGTGCCCCTGGGGGAGTCTCCG-3'
Protein context (NP_066124.1, residues 746-766): LKGRAGYTTV[Ala756Gly]VKMLKENASP

ClinVar aggregate classification (germline): Uncertain significance. Review status: criteria provided, multiple submitters, no conflicts (2 of 4 stars). 3 submissions from 3 submitters: Uncertain significance (3). Last evaluated 2025-04-23.

Conditions:
Hereditary cancer-predisposing syndrome. Also called: Neoplastic Syndromes, Hereditary; Tumor predisposition; Hereditary Cancer Syndrome; Hereditary neoplastic syndrome. Identifiers: Orphanet 140162, MedGen C0027672, MeSH D009386, MONDO:0015356.
Multiple endocrine neoplasia, type 2 (MEN2). Identifiers: Orphanet 653, MedGen C4048306, MONDO:0019003. Disease mechanism: gain of function.

Submissions (3):

Ambry Genetics
Classification: Uncertain significance for Hereditary cancer-predisposing syndrome. Last evaluated: 2025-04-23. Review status: criteria provided, single submitter. Criteria: Ambry Variant Classification Scheme 2023. Collection method: clinical testing. Allele origin: germline.
Comment: The p.A756G variant (also known as c.2267C>G), located in coding exon 12 of the RET gene, results from a C to G substitution at nucleotide position 2267. The alanine at codon 756 is replaced by glycine, an amino acid with similar properties. This amino acid position is highly conserved in available vertebrate species. In addition, this alteration is predicted to be deleterious by in silico analysis. Based on the available evidence, the clinical significance of this variant remains unclear.

All of Us Research Program, National Institutes of Health
Classification: Uncertain significance for Multiple endocrine neoplasia, type 2. Last evaluated: 2024-03-05. Review status: criteria provided, single submitter. Criteria: ACMG Guidelines, 2015. Collection method: clinical testing. Allele origin: germline. Inheritance: Autosomal dominant inheritance. Observed: 1 variant allele, 1 heterozygote.
Comment: This study involves interpretation of variants in research participants for the purpose of population health screening. Participant phenotype was not available at the time of variant classification. Additional details can be found in publication PMID: 35346344, PMCID: PMC8962531

Labcorp Genetics (formerly Invitae), Labcorp
Classification: Uncertain significance for Multiple endocrine neoplasia, type 2. Last evaluated: 2020-02-11. Review status: criteria provided, single submitter. Criteria: Invitae Variant Classification Sherloc (09022015). Collection method: clinical testing. Allele origin: germline.
Comment: In summary, the available evidence is currently insufficient to determine the role of this variant in disease. Therefore, it has been classified as a Variant of Uncertain Significance. Algorithms developed to predict the effect of sequence changes on RNA splicing suggest that this variant may create or strengthen a splice site, but this prediction has not been confirmed by published transcriptional studies. Algorithms developed to predict the effect of missense changes on protein structure and function are either unavailable or do not agree on the potential impact of this missense change (SIFT: "Deleterious"; PolyPhen-2: "Probably Damaging"; Align-GVGD: "Class C0"). This variant has not been reported in the literature in individuals with RET-related conditions. This variant is not present in population databases (ExAC no frequency). This sequence change replaces alanine with glycine at codon 756 of the RET protein (p.Ala756Gly). The alanine residue is highly conserved and there is a small physicochemical difference between alanine and glycine.